The following is an entry in ClinVar:

ClinVar aggregate classification (germline): Benign. Review status: criteria provided, multiple submitters, no conflicts (2 of 4 stars). 3 submissions from 3 submitters: Benign (2). 1 of the submissions does not count toward it. Last evaluated 2018-05-21.

Conditions:
LRIG1-related disorder. Also called: LRIG1-related condition.

Allele frequency attached by ClinVar (database versions not stated): TOPMed 0.01181; ESP Exome Variant Server 0.01199; 1000 Genomes Project 0.01238; 1000 Genomes Project 30x 0.01265.
gnomAD v4.1: 15,961 of 1,606,720 alleles (0.99%); highest among the groups gnomAD compares: African/African-American, 1.7%; 147 homozygotes.

Submissions (3):

Labcorp Genetics (formerly Invitae), Labcorp
Classification: Benign. Last evaluated: 2018-05-21. Review status: criteria provided, single submitter. Criteria: Invitae Variant Classification Sherloc (09022015). Collection method: clinical testing. Allele origin: germline.

Breakthrough Genomics
Classification: Benign. Review status: criteria provided, single submitter. Criteria: ACMG Guidelines, 2015. Collection method: not provided. Allele origin: germline. Inheritance: Unknown mechanism. Affected: yes.

PreventionGenetics, part of Exact Sciences
Classification: Benign for LRIG1-related condition. Last evaluated: 2019-03-04. Review status: no assertion criteria provided. Collection method: clinical testing. Allele origin: germline. Not counted in ClinVar's aggregate classification.
Comment: This variant is classified as benign based on ACMG/AMP sequence variant interpretation guidelines (Richards et al. 2015 PMID: 25741868, with internal and published modifications).

NM_015541.3(LRIG1):c.2162C>T (p.Pro721Leu)

Gene: LRIG1 (leucine rich repeats and immunoglobulin like domains 1; minus strand). Cytogenetic location: 3p14.1.
Variant type: single nucleotide variant.
Coding change: c.2162C>T on transcript NM_015541.3 (MANE Select); coding-DNA position 2162, C replaced by T.
Protein change: p.Pro721Leu; replaces proline 721 with leucine.
Molecular consequence: missense variant.
Genome position (GRCh38, 1-based): chr3:66,383,311, G>A on the plus strand (C>T on the coding strand, the complement: LRIG1 is on the minus strand). VCF-style: chr3-66383311-G-A. GRCh37 (hg19) VCF-style: chr3-66433735-G-A.
Other names: c.1382C>T, p.Pro461Leu (NM_001377346.1, NM_001377345.1); c.1160C>T, p.Pro387Leu (NM_001377347.1); c.1133C>T, p.Pro378Leu (NM_001377348.1); c.878C>T, p.Pro293Leu (NM_001377349.1); c.2087C>T, p.Pro696Leu (NM_001377344.1); short protein forms P721L, P293L, P378L, P387L, P461L, P696L.
Identifiers: ClinVar variation 790444 (VCV000790444.6), dbSNP rs116809906, ClinGen allele CA2484465.